The following is an entry in ClinVar:

ClinVar aggregate classification (germline): Benign (1 of 4 stars; one submission).

Conditions:
Melanoma-pancreatic cancer syndrome. Identifiers: Orphanet 404560, MedGen C1838547, MONDO:0011713, OMIM 606719. Disease mechanism: loss of function.

Submission:

Myriad Genetics, Inc.
Classification: Benign for Melanoma-pancreatic cancer syndrome. Last evaluated: 2025-08-13. Review status: criteria provided, single submitter. Criteria: Myriad Autosomal Dominant, Autosomal Recessive and X-Linked Classification Criteria (2023). Collection method: clinical testing. Allele origin: unknown.
Comment: This variant is considered benign. This variant is a silent/synonymous amino acid change and it is not expected to impact splicing.

NM_000077.5(CDKN2A):c.120A>G (p.Ala40=)

Gene: CDKN2A (cyclin dependent kinase inhibitor 2A; minus strand). Cytogenetic location: 9p21.3.
Variant type: single nucleotide variant.
Coding change: c.120A>G on transcript NM_000077.5; coding-DNA position 120, A replaced by G.
Protein change: p.Ala40=; no amino-acid change (alanine 40 retained).
Molecular consequence: synonymous variant (on NM_000077.6). On other transcripts: intron variant (2).
Genome position (GRCh38, 1-based): chr9:21,974,708, T>C on the plus strand (A>G on the coding strand, the complement: CDKN2A is on the minus strand). VCF-style: chr9-21974708-T-C. GRCh37 (hg19) VCF-style: chr9-21974707-T-C.
Other names: c.120A>G, p.Ala40= (NM_000077.6, NM_001195132.2, NM_058197.5); c.-3-3500A>G (NM_001363763.2); c.194-3500A>G (NM_058195.4).
Identifiers: ClinVar variation 4294123 (VCV004294123.1).